The following is an entry in ClinVar:

ClinVar aggregate classification (germline): Uncertain significance. Review status: criteria provided, multiple submitters, no conflicts (2 of 4 stars). 2 submissions from 2 submitters: Uncertain significance (2). Last evaluated 2026-07-17.

Conditions:
Brachyolmia-amelogenesis imperfecta syndrome. Also called: Tooth agenesis, selective, 6; Dental anomalies and short stature; PLATYSPONDYLY WITH AMELOGENESIS IMPERFECTA. Identifiers: Orphanet 2899, MedGen C1832594, MONDO:0011018, OMIM 601216. Disease mechanism: loss of function.
Inborn genetic diseases. Identifiers: MedGen C0950123, MeSH D030342.

gnomAD v4.1: 1 of 1,612,650 alleles (0.000062%); no homozygotes.

Submissions (2):

Ambry Genetics
Classification: Uncertain significance for Inborn genetic diseases. Last evaluated: 2026-07-17. Review status: criteria provided, single submitter. Criteria: Ambry Variant Classification Scheme 2023. Collection method: clinical testing. Allele origin: germline.
Comment: The p.T309I variant (also known as c.926C>T), located in coding exon 4 of the LTBP3 gene, results from a C to T substitution at nucleotide position 926. The threonine at codon 309 is replaced by isoleucine, an amino acid with similar properties. This amino acid position is conserved. In addition, the in silico prediction for this alteration is inconclusive. Based on the available evidence, the clinical significance of this variant remains unclear.

Labcorp Genetics (formerly Invitae), Labcorp
Classification: Uncertain significance for Brachyolmia-amelogenesis imperfecta syndrome. Last evaluated: 2023-12-24. Review status: criteria provided, single submitter. Criteria: Invitae Variant Classification Sherloc (09022015). Collection method: clinical testing. Allele origin: germline.
Comment: This sequence change replaces threonine, which is neutral and polar, with isoleucine, which is neutral and non-polar, at codon 309 of the LTBP3 protein (p.Thr309Ile). This variant is not present in population databases (gnomAD no frequency). This variant has not been reported in the literature in individuals affected with LTBP3-related conditions. ClinVar contains an entry for this variant (Variation ID: 1467046). An algorithm developed to predict the effect of missense changes on protein structure and function (PolyPhen-2) suggests that this variant is likely to be disruptive. In summary, the available evidence is currently insufficient to determine the role of this variant in disease. Therefore, it has been classified as a Variant of Uncertain Significance.

NM_001130144.3(LTBP3):c.926C>T (p.Thr309Ile)

Gene: LTBP3 (latent transforming growth factor beta binding protein 3; minus strand). Cytogenetic location: 11q13.1.
Variant type: single nucleotide variant.
Coding change: c.926C>T on transcript NM_001130144.3 (MANE Select); coding-DNA position 926, C replaced by T.
Protein change: p.Thr309Ile; replaces threonine 309 with isoleucine.
Molecular consequence: missense variant.
Genome position (GRCh38, 1-based): chr11:65,553,469, G>A on the plus strand (C>T on the coding strand, the complement: LTBP3 is on the minus strand). VCF-style: chr11-65553469-G-A. GRCh37 (hg19) VCF-style: chr11-65320940-G-A.
Other names: c.575C>T, p.Thr192Ile (NM_001164266.1); c.926C>T, p.Thr309Ile (NM_021070.4); c.926C>T (NM_001130144.2); short protein forms T192I, T309I.
Identifiers: ClinVar variation 1467046 (VCV001467046.7), dbSNP rs2135157407, ClinGen allele CA381275181.